The following is an entry in ClinVar:

ClinVar aggregate classification (germline): Conflicting classifications of pathogenicity. Review status: criteria provided, conflicting classifications (1 of 4 stars). 3 submissions from 3 submitters: Likely pathogenic (1); Uncertain significance (2). Last evaluated 2026-06-11.

Conditions:
Hereditary cancer-predisposing syndrome. Also called: Tumor predisposition; Hereditary neoplastic syndrome; Neoplastic Syndromes, Hereditary; Hereditary Cancer Syndrome. Identifiers: Orphanet 140162, MedGen C0027672, MeSH D009386, MONDO:0015356.
Breast-ovarian cancer, familial, susceptibility to, 4. Identifiers: Orphanet 145, MedGen C3280345, MONDO:0013669, OMIM 614291.

Submissions (3):

Ambry Genetics
Classification: Likely pathogenic for Hereditary cancer-predisposing syndrome. Last evaluated: 2026-06-11. Review status: criteria provided, single submitter. Criteria: Ambry Variant Classification Scheme 2023. Collection method: clinical testing. Allele origin: germline.
Comment: The c.738G>A variant (also known as p.V246V), located in coding exon 8 of the RAD51D gene, results from a G to A substitution at nucleotide position 738. This nucleotide substitution does not change the at codon 246. However, this change occurs in the last base pair of coding exon 8, which makes it likely to have some effect on normal mRNA splicing. This nucleotide position is highly conserved in available vertebrate species. In silico splice site analysis predicts that this alteration will weaken the native splice donor site. RNA studies have demonstrated that this variant results in abnormal splicing in the set of samples tested (Ambry internal data). This variant is considered to be rare based on population cohorts in the Genome Aggregation Database (gnomAD). Based on the majority of available evidence to date, this variant is likely to be pathogenic.

GeneDx
Classification: Uncertain significance. Last evaluated: 2024-06-18. Review status: criteria provided, single submitter. Criteria: GeneDx Variant Classification Process June 2021. Collection method: clinical testing. Allele origin: germline. Affected: yes.
Comment: Not observed at significant frequency in large population cohorts (gnomAD); In silico analysis supports a deleterious effect on splicing; This variant is associated with the following publications: (PMID: 31642931, 32133419)

Labcorp Genetics (formerly Invitae), Labcorp
Classification: Uncertain significance for Breast-ovarian cancer, familial, susceptibility to, 4. Last evaluated: 2024-04-09. Review status: criteria provided, single submitter. Criteria: Invitae Variant Classification Sherloc (09022015). Collection method: clinical testing. Allele origin: germline.
Comment: This sequence change affects codon 246 of the RAD51D mRNA. It is a 'silent' change, meaning that it does not change the encoded amino acid sequence of the RAD51D protein. This variant also falls at the last nucleotide of exon 8, which is part of the consensus splice site for this exon. This variant is not present in population databases (gnomAD no frequency). This variant has not been reported in the literature in individuals affected with RAD51D-related conditions. ClinVar contains an entry for this variant (Variation ID: 482200). Variants that disrupt the consensus splice site are a relatively common cause of aberrant splicing (PMID: 17576681, 9536098). Studies have shown that this variant is associated with inconclusive levels of altered splicing (Invitae). In summary, the available evidence is currently insufficient to determine the role of this variant in disease. Therefore, it has been classified as a Variant of Uncertain Significance.

Literature cited by the submitters: PubMed 17576681 (cited by Labcorp Genetics (formerly Invitae), Labcorp); PubMed 9536098 (cited by Labcorp Genetics (formerly Invitae), Labcorp).

NM_002878.4(RAD51D):c.738G>A (p.Val246=)

Genes: RAD51D (RAD51 paralog D; minus strand), RAD51L3-RFFL (RAD51L3-RFFL readthrough; minus strand). Cytogenetic location: 17q12.
Variant type: single nucleotide variant.
Coding change: c.738G>A on transcript NM_002878.4 (MANE Select); coding-DNA position 738, G replaced by A.
Protein change: p.Val246=; no amino-acid change (valine 246 retained).
Molecular consequence: synonymous variant. On other transcripts: non-coding transcript variant (3).
Genome position (GRCh38, 1-based): chr17:35,103,254, C>T on the plus strand (G>A on the coding strand, the complement: RAD51D is on the minus strand). VCF-style: chr17-35103254-C-T. GRCh37 (hg19) VCF-style: chr17-33430273-C-T.
Other names: c.798G>A, p.Val266= (NM_001142571.2); c.402G>A, p.Val134= (NM_133629.3).
Identifiers: ClinVar variation 482200 (VCV000482200.12), dbSNP rs1210620444, ClinGen allele CA499730215.